The following is an entry in ClinVar:

ClinVar aggregate classification (germline): Conflicting classifications of pathogenicity. Review status: criteria provided, conflicting classifications (1 of 4 stars). 4 submissions from 4 submitters: Uncertain significance (3); Likely benign (1). Last evaluated 2025-01-15.

Conditions:
Inborn genetic diseases. Identifiers: MedGen C0950123, MeSH D030342.

Allele frequency attached by ClinVar (database versions not stated): gnomAD exomes 0.00001 and 0.00002; TOPMed 0.00001; ExAC 0.00002; gnomAD 0.00002.
gnomAD v4.1: 22 of 1,613,980 alleles (0.0014%); highest among the groups gnomAD compares: Middle Eastern, 0.033%; no homozygotes.

Submissions (4):

Labcorp Genetics (formerly Invitae), Labcorp
Classification: Uncertain significance. Last evaluated: 2025-01-15. Review status: criteria provided, single submitter. Criteria: Invitae Variant Classification Sherloc (09022015). Collection method: clinical testing. Allele origin: germline.
Comment: This sequence change replaces glutamic acid, which is acidic and polar, with glycine, which is neutral and non-polar, at codon 1767 of the NBAS protein (p.Glu1767Gly). This variant is present in population databases (rs758597880, gnomAD 0.004%). This variant has not been reported in the literature in individuals affected with NBAS-related conditions. ClinVar contains an entry for this variant (Variation ID: 1511252). Invitae Evidence Modeling of protein sequence and biophysical properties (such as structural, functional, and spatial information, amino acid conservation, physicochemical variation, residue mobility, and thermodynamic stability) indicates that this missense variant is not expected to disrupt NBAS protein function with a negative predictive value of 95%. In summary, the available evidence is currently insufficient to determine the role of this variant in disease. Therefore, it has been classified as a Variant of Uncertain Significance.

Ambry Genetics
Classification: Uncertain significance for Inborn genetic diseases. Last evaluated: 2024-12-24. Review status: criteria provided, single submitter. Criteria: Ambry Variant Classification Scheme 2023. Collection method: clinical testing. Allele origin: germline.

CeGaT Center for Human Genetics Tuebingen
Classification: Likely benign. Last evaluated: 2023-01-01. Review status: criteria provided, single submitter. Criteria: CeGaT Center For Human Genetics Tuebingen Variant Classification Criteria Version 2. Collection method: clinical testing. Allele origin: germline. Affected: yes. Observed: 1 variant allele.
Comment: NBAS: BP4

Blueprint Genetics
Classification: Uncertain significance. Last evaluated: 2022-03-17. Review status: criteria provided, single submitter. Criteria: ACMG Guidelines, 2015. Collection method: clinical testing. Allele origin: germline.

NM_015909.4(NBAS):c.5300A>G (p.Glu1767Gly)

Gene: NBAS (NBAS subunit of NRZ tethering complex; minus strand). Cytogenetic location: 2p24.3.
Variant type: single nucleotide variant.
Coding change: c.5300A>G on transcript NM_015909.4 (MANE Select); coding-DNA position 5300, A replaced by G.
Protein change: p.Glu1767Gly; replaces glutamic acid 1767 with glycine.
Molecular consequence: missense variant. On other transcripts: non-coding transcript variant (1).
Genome position (GRCh38, 1-based): chr2:15,276,940, T>C on the plus strand (A>G on the coding strand, the complement: NBAS is on the minus strand). VCF-style: chr2-15276940-T-C. GRCh37 (hg19) VCF-style: chr2-15417064-T-C.
Other names: c.5300A>G (NM_015909.2); short protein forms E1767G.
Identifiers: ClinVar variation 1511252 (VCV001511252.29), dbSNP rs758597880, ClinGen allele CA1535333.